The following is an entry in ClinVar:

NM_000263.4(NAGLU):c.830_832del (p.Cys277del)

Gene: NAGLU (N-acetyl-alpha-glucosaminidase; plus strand). Cytogenetic location: 17q21.2.
Variant type: Deletion.
Coding change: c.830_832del on transcript NM_000263.4 (MANE Select); coding-DNA positions 830 to 832, 3 bases deleted (GCT; older notation c.830_832delGCT).
Protein change: p.Cys277del; deletes cysteine 277.
Molecular consequence: inframe deletion.
Genome position (GRCh38, 1-based): chr17:42,541,015-42,541,017, GCT deleted; deleting any 3 consecutive bases within chr17:42,541,013-42,541,017 gives the same sequence; the c. name uses the placement nearest the transcript's 3' end. VCF-style (leftmost placement, unchanged base first): chr17-42541012-CCTG-C. GRCh37 (hg19) VCF-style: chr17-40693030-CCTG-C.
Other names: short protein forms C277del.
Identifiers: ClinVar variation 92696 (VCV000092696.11), dbSNP rs398123282, ClinGen allele CA220555.

ClinVar aggregate classification (germline): Conflicting classifications of pathogenicity. Review status: criteria provided, conflicting classifications (1 of 4 stars). 4 submissions from 4 submitters: Likely pathogenic (1); Uncertain significance (3). Last evaluated 2025-11-05.

Conditions:
Charcot-Marie-Tooth disease axonal type 2V. Also called: CHARCOT-MARIE-TOOTH NEUROPATHY, TYPE 2V; CHARCOT-MARIE-TOOTH DISEASE, AXONAL, AUTOSOMAL DOMINANT, TYPE 2V. Identifiers: Orphanet 447964, MedGen C5569050, MONDO:0014665, OMIM 616491.
Mucopolysaccharidosis, MPS-III-B (MPS3B). Also called: Mucopolysaccharidosis type IIIB (Sanfilippo B); N-ACETYL-ALPHA-D-GLUCOSAMINIDASE DEFICIENCY; NAGLU DEFICIENCY; SANFILIPPO SYNDROME B; MPS III B; MPS IIIB (Sanfilippo Syndrome Type B). Identifiers: Orphanet 79270, MedGen C0086648, MONDO:0009656, OMIM 252920.

Submissions (4):

Myriad Genetics, Inc.
Classification: Uncertain significance for Mucopolysaccharidosis, MPS-III-B. Last evaluated: 2025-11-05. Review status: criteria provided, single submitter. Criteria: Myriad Autosomal Dominant, Autosomal Recessive and X-Linked Classification Criteria (2023). Collection method: clinical testing. Allele origin: unknown.
Comment: NM_000263.3(NAGLU):c.830_832delGCT(C277del) is an in-frame deletion classified as a variant of uncertain significance in the context of mucopolysaccharidosis type IIIB. C277del has been observed in cases with relevant disease (PMID: 27590925, 38488524). Relevant functional assessments of this variant are not available in the literature. C277del has not been observed in referenced population frequency databases. In summary, there is insufficient evidence to classify NM_000263.3(NAGLU):c.830_832delGCT(C277del) as pathogenic or benign. Please note: this variant was assessed in the context of healthy population screening.

Natera, Inc.
Classification: Likely pathogenic for Mucopolysaccharidosis type IIIB. Last evaluated: 2024-09-20. Review status: criteria provided, single submitter. Criteria: Natera Variant Classification Schema (03/2026). Collection method: clinical testing. Allele origin: germline.
Comment: The c.830_832delGCT variant in NAGLU is an in-frame deletion predicted to remove cysteine at amino acid 277 while preserving the reading frame. This variant is rare in the general population with a frequency below the threshold expected for the associated phenotype(s). This variant has been observed in one or more individuals affected with the associated recessive disease, as either homozygous or compound heterozygous with a second variant (PMID: 38488524). This variant results in a change to the protein length while preserving reading frame, which may disrupt normal protein structure or function. Computational prediction algorithms indicate this variant is likely to affect gene or protein function. Given the available evidence, this variant is classified as Likely Pathogenic.

Labcorp Genetics (formerly Invitae), Labcorp
Classification: Uncertain significance for Charcot-Marie-Tooth disease axonal type 2V; Mucopolysaccharidosis, MPS-III-B. Last evaluated: 2022-08-16. Review status: criteria provided, single submitter. Criteria: Invitae Variant Classification Sherloc (09022015). Collection method: clinical testing. Allele origin: germline.
Comment: This variant, c.830_832del, results in the deletion of 1 amino acid(s) of the NAGLU protein (p.Cys277del), but otherwise preserves the integrity of the reading frame. This variant is not present in population databases (gnomAD no frequency). This variant has been observed in individual(s) with mucopolysaccharidosis type III (PMID: 27590925). ClinVar contains an entry for this variant (Variation ID: 92696). Experimental studies and prediction algorithms are not available or were not evaluated, and the functional significance of this variant is currently unknown. In summary, the available evidence is currently insufficient to determine the role of this variant in disease. Therefore, it has been classified as a Variant of Uncertain Significance.

Eurofins Ntd Llc (ga)
Classification: Uncertain significance. Last evaluated: 2014-09-08. Review status: criteria provided, single submitter. Criteria: EGL Classification Definitions 2015. Collection method: clinical testing. Allele origin: germline. Observed: 1 variant allele, 1 heterozygote.

Literature cited by the submitters: PubMed 27590925 (cited by Myriad Genetics, Inc. and Labcorp Genetics (formerly Invitae), Labcorp); PubMed 38488524 (cited by Myriad Genetics, Inc. and Natera, Inc.).